The following is an entry in ClinVar:

NM_001271.4(CHD2):c.294+1G>T

Gene: CHD2 (chromodomain helicase DNA binding protein 2; plus strand). Cytogenetic location: 15q26.1.
Variant type: single nucleotide variant.
Coding change: c.294+1G>T on transcript NM_001271.4 (MANE Select); the canonical splice donor site of the intron after coding-DNA position 294, G replaced by T.
Molecular consequence: splice donor variant.
Genome position (GRCh38, 1-based): chr15:92,924,553, G>T. VCF-style: chr15-92924553-G-T. GRCh37 (hg19) VCF-style: chr15-93467783-G-T.
Other names: c.294+1G>T (NM_001042572.3).
Identifiers: ClinVar variation 2505569 (VCV002505569.2), dbSNP rs758587018, ClinGen allele CA7747466.

ClinVar aggregate classification (germline): Likely pathogenic. Review status: criteria provided, multiple submitters, no conflicts (2 of 4 stars). 2 submissions from 2 submitters: Likely pathogenic (2). Last evaluated 2025-07-13.

Conditions:
Developmental and epileptic encephalopathy 94 (DEE94). Also called: Epileptic encephalopathy, childhood-onset; CHD2-Related Neurodevelopmental Disorders. Identifiers: Orphanet 1942, Orphanet 2382, MedGen C3809278, MONDO:0014150, OMIM 615369.

Allele frequency attached by ClinVar (database versions not stated): gnomAD exomes below 0.00001; ExAC 0.00001.
gnomAD v4.1: 1 of 1,612,792 alleles (0.000062%); highest among the groups gnomAD compares: Non-Finnish European, 0.000085%; no homozygotes.

Submissions (2):

Labcorp Genetics (formerly Invitae), Labcorp
Classification: Likely pathogenic for Developmental and epileptic encephalopathy 94. Last evaluated: 2025-07-13. Review status: criteria provided, single submitter. Criteria: Invitae Variant Classification Sherloc (09022015). Collection method: clinical testing. Allele origin: germline.
Comment: This sequence change affects a donor splice site in intron 3 of the CHD2 gene. It is expected to disrupt RNA splicing. Variants that disrupt the donor or acceptor splice site typically lead to a loss of protein function (PMID: 16199547), and loss-of-function variants in CHD2 are known to be pathogenic (PMID: 23708187, 24207121). This variant is present in population databases (rs758587018, gnomAD 0.0009%). This variant has not been reported in the literature in individuals affected with CHD2-related conditions. ClinVar contains an entry for this variant (Variation ID: 2505569). Algorithms developed to predict the effect of sequence changes on RNA splicing suggest that this variant may disrupt the consensus splice site. In summary, the currently available evidence indicates that the variant is pathogenic, but additional data are needed to prove that conclusively. Therefore, this variant has been classified as Likely Pathogenic.

Dr. med. U. Finckh, Human Genetics, Eurofins MVZ
Classification: Likely pathogenic for Developmental and epileptic encephalopathy 94. Review status: criteria provided, single submitter. Criteria: ACMG Guidelines, 2015. Collection method: clinical testing. Allele origin: de novo. Affected: yes.
Comment: The variant is predicted to disrupt the adjacent splice donor site. It is found once in gnomAD (but not in the "controls"-subgroup). Mild manifestations may occur (PMID: 29740950). We classify the variant as likely pathogenic.

Literature cited by the submitters: PubMed 16199547 (cited by Labcorp Genetics (formerly Invitae), Labcorp); PubMed 23708187 (cited by Labcorp Genetics (formerly Invitae), Labcorp); PubMed 24207121 (cited by Labcorp Genetics (formerly Invitae), Labcorp).